The following is an entry in ClinVar:

NM_000465.4(BARD1):c.761T>A (p.Ile254Lys)

Gene: BARD1 (BRCA1 associated RING domain 1; minus strand). Cytogenetic location: 2q35.
Variant type: single nucleotide variant.
Coding change: c.761T>A on transcript NM_000465.4 (MANE Select); coding-DNA position 761, T replaced by A.
Protein change: p.Ile254Lys; replaces isoleucine 254 with lysine.
Molecular consequence: missense variant. On other transcripts: non-coding transcript variant (2), intron variant (3).
Genome position (GRCh38, 1-based): chr2:214,781,113, A>T on the plus strand (T>A on the coding strand, the complement: BARD1 is on the minus strand). VCF-style: chr2-214781113-A-T. GRCh37 (hg19) VCF-style: chr2-215645837-A-T.
Other names: c.704T>A, p.Ile235Lys (NM_001282543.2); c.158+28299T>A (NM_001282548.2); c.215+15948T>A (NM_001282545.2); c.364+11184T>A (NM_001282549.2); short protein forms I254K, I235K.
Identifiers: ClinVar variation 567572 (VCV000567572.9), dbSNP rs1395313064, ClinGen allele CA350455982.

ClinVar aggregate classification (germline): Uncertain significance (1 of 4 stars; one submission).

Conditions:
Familial cancer of breast. Also called: BREAST CANCER, FAMILIAL; Hereditary breast cancer; hereditary breast carcinoma. Identifiers: Orphanet 227535, MedGen C0346153, MONDO:0016419, OMIM 114480. Disease mechanism: loss of function.

Allele frequency attached by ClinVar (database versions not stated): TOPMed below 0.00001.

Submission:

Labcorp Genetics (formerly Invitae), Labcorp
Classification: Uncertain significance for Familial cancer of breast. Last evaluated: 2018-06-06. Review status: criteria provided, single submitter. Criteria: Invitae Variant Classification Sherloc (09022015). Collection method: clinical testing. Allele origin: germline.
Comment: This variant has not been reported in the literature in individuals with BARD1-related disease. In summary, the available evidence is currently insufficient to determine the role of this variant in disease. Therefore, it has been classified as a Variant of Uncertain Significance. Algorithms developed to predict the effect of missense changes on protein structure and function (SIFT, PolyPhen-2, Align-GVGD) all suggest that this variant is likely to be tolerated, but these predictions have not been confirmed by published functional studies and their clinical significance is uncertain. This variant is not present in population databases (ExAC no frequency). This sequence change replaces isoleucine with lysine at codon 254 of the BARD1 protein (p.Ile254Lys). The isoleucine residue is weakly conserved and there is a moderate physicochemical difference between isoleucine and lysine.